The following is an entry in ClinVar:

ClinVar aggregate classification (germline): Uncertain significance (1 of 4 stars; one submission).

Conditions:
Cardiovascular phenotype. Identifiers: MedGen CN230736.

Submission:

Ambry Genetics
Classification: Uncertain significance for Cardiovascular phenotype. Last evaluated: 2024-04-26. Review status: criteria provided, single submitter. Criteria: Ambry Variant Classification Scheme 2023. Collection method: clinical testing. Allele origin: germline.
Comment: The p.A410P variant (also known as c.1228G>C), located in coding exon 1 of the ZNF469 gene, results from a G to C substitution at nucleotide position 1228. The alanine at codon 410 is replaced by proline, an amino acid with highly similar properties. This amino acid position is conserved. In addition, this alteration is predicted to be tolerated by in silico analysis. Based on the available evidence, the clinical significance of this variant remains unclear.

NM_001367624.2(ZNF469):c.1228G>C (p.Ala410Pro)

Gene: ZNF469 (zinc finger protein 469; plus strand). Cytogenetic location: 16q24.2.
Variant type: single nucleotide variant.
Coding change: c.1228G>C on transcript NM_001367624.2 (MANE Select); coding-DNA position 1228, G replaced by C.
Protein change: p.Ala410Pro; replaces alanine 410 with proline.
Molecular consequence: missense variant.
Genome position (GRCh38, 1-based): chr16:88,428,698, G>C. VCF-style: chr16-88428698-G-C. GRCh37 (hg19) VCF-style: chr16-88495106-G-C.
Other names: NM_001127464.1:c.1228G>C; short protein forms A410P.
Identifiers: ClinVar variation 3258248 (VCV003258248.1).